The following is an entry in ClinVar:

NM_001846.4(COL4A2):c.2039-3C>T

Gene: COL4A2 (collagen type IV alpha 2 chain; plus strand). Cytogenetic location: 13q34.
Variant type: single nucleotide variant.
Coding change: c.2039-3C>T on transcript NM_001846.4 (MANE Select); 3 bases into the intron before coding-DNA position 2039, C replaced by T.
Molecular consequence: intron variant.
Genome position (GRCh38, 1-based): chr13:110,467,037, C>T. VCF-style: chr13-110467037-C-T. GRCh37 (hg19) VCF-style: chr13-111119384-C-T.
Identifiers: ClinVar variation 311142 (VCV000311142.22), dbSNP rs202208839, ClinGen allele CA7049806.
Genomic context (GRCh38, chr13:110,467,037, plus strand): 5'-CAAGGCCGTGGGACTCAGTGTTTAGGATTGCTTGGGCTCATCTTTTCTCCTTTCTGTCCC[C>T]AGGTTGCATAGGAGGGCCCAAGGGATTGCCAGGCCTGCCAGGACCCCCAGGCCCCACAGG-3'

ClinVar aggregate classification (germline): Benign/Likely benign. Review status: criteria provided, multiple submitters, no conflicts (2 of 4 stars). 4 submissions from 4 submitters: Benign (2); Likely benign (2). Last evaluated 2026-01-15.

Conditions:
Brain small vessel disease 2A, autosomal dominant. Also called: Porencephaly 2. Identifiers: Orphanet 2940, Orphanet 99810, MedGen C3280970, MONDO:0013773, OMIM 614483.

Allele frequency attached by ClinVar (database versions not stated): gnomAD exomes 0.00016 and 0.00086; gnomAD 0.00029 and 0.00038; TOPMed 0.00037; ExAC 0.00060; 1000 Genomes Project 30x 0.00187; 1000 Genomes Project 0.00200.
gnomAD v4.1: 338 of 1,614,040 alleles (0.021%); highest among the groups gnomAD compares: East Asian, 0.61%; 2 homozygotes.

Submissions (6):

Labcorp Genetics (formerly Invitae), Labcorp
Classification: Benign. Last evaluated: 2026-01-15. Review status: criteria provided, single submitter. Criteria: Invitae Variant Classification Sherloc (09022015). Collection method: clinical testing. Allele origin: germline.

CeGaT Center for Human Genetics Tuebingen
Classification: Likely benign. Last evaluated: 2025-10-01. Review status: criteria provided, single submitter. Criteria: CeGaT Center For Human Genetics Tuebingen Variant Classification Criteria Version 2. Collection method: clinical testing. Allele origin: germline. Affected: yes. Observed: 1 variant allele.
Comment: COL4A2: BP4, BS2

Blueprint Genetics
Classification: Likely benign. Last evaluated: 2024-10-23. Review status: criteria provided, single submitter. Criteria: ACMG Guidelines, 2015. Collection method: clinical testing. Allele origin: germline.

Illumina Laboratory Services, Illumina
Classification: Benign for Brain small vessel disease 2A, autosomal dominant. Last evaluated: 2018-01-12. Review status: criteria provided, single submitter. Criteria: ICSL Variant Classification Criteria 13 December 2019. Collection method: clinical testing. Allele origin: germline.
Comment: This variant was observed in the ICSL laboratory as part of a predisposition screen in an ostensibly healthy population. It had not been previously curated by ICSL or reported in the Human Gene Mutation Database (HGMD: prior to June 1st, 2018), and was therefore a candidate for classification through an automated scoring system. Utilizing variant allele frequency, disease prevalence and penetrance estimates, and inheritance mode, an automated score was calculated to assess if this variant is too frequent to cause the disease. Based on the score and internal cut-off values, a variant classified as benign is not then subjected to further curation. The score for this variant resulted in a classification of benign for this disease.

Dr. Peter K. Rogan Lab, Western University
No classification provided (evidence only). Condition: Thymoma. Review status: no classification provided. Collection method: in vitro. Allele origin: not applicable. Functional consequence: retained intron. Not counted in ClinVar's aggregate classification.

Dr. Peter K. Rogan Lab, Western University
No classification provided (evidence only). Condition: Malignant tumor of esophagus. Review status: no classification provided. Collection method: in vitro. Allele origin: not applicable. Functional consequence: retained intron. Not counted in ClinVar's aggregate classification.